The following is an entry in ClinVar:

ClinVar aggregate classification (germline): Uncertain significance (1 of 4 stars; one submission).

Conditions:
Inborn genetic diseases. Identifiers: MedGen C0950123, MeSH D030342.

Allele frequency attached by ClinVar (database versions not stated): gnomAD exomes below 0.00001; ExAC 0.00001.
gnomAD v4.1: 1 of 1,614,034 alleles (0.000062%); highest among the groups gnomAD compares: Non-Finnish European, 0.000085%; no homozygotes.

Submission:

Ambry Genetics
Classification: Uncertain significance for Inborn genetic diseases. Last evaluated: 2025-02-20. Review status: criteria provided, single submitter. Criteria: Ambry Variant Classification Scheme 2023. Collection method: clinical testing. Allele origin: germline.
Comment: The p.E105K variant (also known as c.313G>A), located in coding exon 3 of the SBDS gene, results from a G to A substitution at nucleotide position 313. The glutamic acid at codon 105 is replaced by lysine, an amino acid with similar properties. This amino acid position is conserved. In addition, this alteration is predicted to be deleterious by in silico analysis. Based on the available evidence, the clinical significance of this variant remains unclear.

NM_016038.4(SBDS):c.313G>A (p.Glu105Lys)

Gene: SBDS (SBDS ribosome maturation factor; minus strand). Cytogenetic location: 7q11.21.
Variant type: single nucleotide variant.
Coding change: c.313G>A on transcript NM_016038.4 (MANE Select); coding-DNA position 313, G replaced by A.
Protein change: p.Glu105Lys; replaces glutamic acid 105 with lysine.
Molecular consequence: missense variant.
Genome position (GRCh38, 1-based): chr7:66,993,363, C>T on the plus strand (G>A on the coding strand, the complement: SBDS is on the minus strand). VCF-style: chr7-66993363-C-T. GRCh37 (hg19) VCF-style: chr7-66458350-C-T.
Other names: short protein forms E105K.
Identifiers: ClinVar variation 3157978 (VCV003157978.2), dbSNP rs773059473, ClinGen allele CA4279185.